The following is an entry in ClinVar:

NM_014714.4(IFT140):c.1867_1870del (p.Glu623fs)

Gene: IFT140 (intraflagellar transport 140; minus strand). Cytogenetic location: 16p13.3.
Variant type: Microsatellite.
Coding change: c.1867_1870del on transcript NM_014714.4 (MANE Select); coding-DNA positions 1867 to 1870, 4 bases deleted (GAGA; older notation c.1867_1870delGAGA).
Protein change: p.Glu623fs; shifts the reading frame from glutamic acid 623.
Molecular consequence: frameshift variant.
Genome position (GRCh38, 1-based): chr16:1,566,192-1,566,195, TCTC deleted on the plus strand (GAGA on the coding strand, the reverse complement: IFT140 is on the minus strand); deleting any 4 consecutive bases within chr16:1,566,192-1,566,199 gives the same sequence; the c. name uses the placement nearest the transcript's 3' end. VCF-style (leftmost placement, unchanged base first): chr16-1566191-GTCTC-G. GRCh37 (hg19) VCF-style: chr16-1616192-GTCTC-G.
Other names: c.1867_1870delGAGA (NM_014714.4); short protein forms E623fs.
Identifiers: ClinVar variation 3056672 (VCV003056672.4), dbSNP rs1226646214, ClinGen allele CA620336624.

ClinVar aggregate classification (germline): Pathogenic/Likely pathogenic. Review status: criteria provided, multiple submitters, no conflicts (2 of 4 stars). 4 submissions from 4 submitters: Pathogenic (1); Likely pathogenic (2). 1 of the submissions does not count toward it. Last evaluated 2025-06-02.

Conditions:
IFT140-related disorders.
IFT140-related disorder. Also called: IFT140-related condition.
Saldino-Mainzer syndrome (SRTD9). Also called: SHORT-RIB THORACIC DYSPLASIA 9 WITHOUT POLYDACTYLY; CONORENAL SYNDROME; short-rib thoracic dysplasia 9 with or without polydactyly; Renal dysplasia, retinal pigmentary dystrophy, cerebellar ataxia and skeletal dysplasia. Identifiers: Orphanet 140969, MedGen C1849437, MONDO:0009964, OMIM 266920.
Polycystic kidney disease. Also called: Kidney, Polycystic; Polycystic kidney dysplasia. Identifiers: MedGen C0022680, MeSH D007690, MONDO:0020642, HP:0000113.

Submissions (4):

Labcorp Genetics (formerly Invitae), Labcorp
Classification: Pathogenic for Saldino-Mainzer syndrome. Last evaluated: 2025-06-02. Review status: criteria provided, single submitter. Criteria: Invitae Variant Classification Sherloc (09022015). Collection method: clinical testing. Allele origin: germline.
Comment: This sequence change creates a premature translational stop signal (p.Glu623Argfs*20) in the IFT140 gene. It is expected to result in an absent or disrupted protein product. Loss-of-function variants in IFT140 are known to be pathogenic (PMID: 22503633, 23418020, 24009529, 26216056). This variant is present in population databases (no rsID available, gnomAD 0.002%). This variant has not been reported in the literature in individuals affected with IFT140-related conditions. For these reasons, this variant has been classified as Pathogenic.

Blueprint Genetics
Classification: Likely pathogenic for IFT140-related disorders. Last evaluated: 2024-02-19. Review status: criteria provided, single submitter. Criteria: ACMG Guidelines, 2015. Collection method: clinical testing. Allele origin: germline. Affected: yes. Observed: 2 variant alleles.

Clinical Genomics Laboratory, Stanford Medicine
Classification: Likely pathogenic for Polycystic kidney disease. Last evaluated: 2023-09-01. Review status: criteria provided, single submitter. Criteria: ACMG Guidelines, 2015. Collection method: clinical testing. Allele origin: germline. Inheritance: Autosomal dominant inheritance. Affected: yes. Observed: 1 variant allele, 1 heterozygote.
Comment: The p.Glu623Argfs*20 variant in the IFT140 gene has not been previously reported in association with disease. This variant has been identified in 2/129186 European (non-Finnish) chromosomes (2/282858 chromosomes) by the Genome Aggregation Database. This variant results in a 4 bp deletion, which causes a shift in the protein reading frame, leading to a premature termination codon 20 amino acids downstream. Heterozygous loss of function is an established mechanism of disease for the IFT140 gene. These data were assessed using the ACMG/AMP variant interpretation guidelines. In summary, there is sufficient evidence to classify the p.Glu623Argfs*20 variant as likely pathogenic for polycystic kidney disease in an autosomal dominant manner based on the information above. [ACMG evidence codes used: PVS1; PM2]

PreventionGenetics, part of Exact Sciences
Classification: Pathogenic for IFT140-related condition. Last evaluated: 2023-11-09. Review status: no assertion criteria provided. Collection method: clinical testing. Allele origin: germline. Not counted in ClinVar's aggregate classification.
Comment: The IFT140 c.1867_1870delGAGA variant is predicted to result in a frameshift and premature protein termination (p.Glu623Argfs*20). To our knowledge, this variant has not been reported in patients in the literature; however, it has been reported as a "likely pathogenic" variant in a carrier study of autosomal recessive disorders (Hanany et al. 2020. PubMed ID: 31964843, Table S3). This variant is reported in 0.0015% of alleles in individuals of European (non-Finnish) descent in gnomAD. Frameshift variants in IFT140 are expected to be pathogenic. This variant is interpreted as pathogenic.

Literature cited by the submitters: PubMed 22503633 (cited by Labcorp Genetics (formerly Invitae), Labcorp); PubMed 23418020 (cited by Labcorp Genetics (formerly Invitae), Labcorp); PubMed 24009529 (cited by Labcorp Genetics (formerly Invitae), Labcorp); PubMed 26216056 (cited by Labcorp Genetics (formerly Invitae), Labcorp).